The following is an entry in ClinVar:

NM_000751.3(CHRND):c.1047+9T>C

Gene: CHRND (cholinergic receptor nicotinic delta subunit; plus strand). Cytogenetic location: 2q37.1.
Variant type: single nucleotide variant.
Coding change: c.1047+9T>C on transcript NM_000751.3 (MANE Select); 9 bases into the intron after coding-DNA position 1047, T replaced by C.
Molecular consequence: intron variant.
Genome position (GRCh38, 1-based): chr2:232,531,665, T>C. VCF-style: chr2-232531665-T-C. GRCh37 (hg19) VCF-style: chr2-233396375-T-C.
Other names: p.?; c.465+9T>C (NM_001311195.2); c.744+9T>C (NM_001311196.2); c.1002+9T>C (NM_001256657.2).
Identifiers: ClinVar variation 128755 (VCV000128755.21), dbSNP rs3762528, ClinGen allele CA152395.

ClinVar aggregate classification (germline): Benign/Likely benign. Review status: criteria provided, multiple submitters, no conflicts (2 of 4 stars). 9 submissions from 8 submitters: Benign (7); Likely benign (1). 1 of the submissions does not count toward it. Last evaluated 2026-02-02.

Conditions:
Congenital myasthenic syndrome (CMS). Also called: Congenital Myasthenic Syndromes. Identifiers: Orphanet 590, MedGen C0751882, MeSH D020294, MONDO:0018940.
Lethal multiple pterygium syndrome (LMPS). Identifiers: Orphanet 33108, MedGen C1854678, MONDO:0009668, OMIM 253290.

Allele frequency attached by ClinVar (database versions not stated): gnomAD exomes 0.06717 and 0.06933; ExAC 0.06779; ESP Exome Variant Server 0.07143; gnomAD 0.07255 and 0.07349; 1000 Genomes Project 30x 0.07511; 1000 Genomes Project 0.07548; TOPMed 0.07574.

Submissions (9):

Labcorp Genetics (formerly Invitae), Labcorp
Classification: Benign for Lethal multiple pterygium syndrome. Last evaluated: 2026-02-02. Review status: criteria provided, single submitter. Criteria: Invitae Variant Classification Sherloc (09022015). Collection method: clinical testing. Allele origin: germline.

Blueprint Genetics
Classification: Likely benign. Last evaluated: 2024-11-26. Review status: criteria provided, single submitter. Criteria: ACMG Guidelines, 2015. Collection method: clinical testing. Allele origin: germline.

Illumina Laboratory Services, Illumina
Classification: Benign for Congenital myasthenic syndrome. Last evaluated: 2018-01-12. Review status: criteria provided, single submitter. Criteria: ICSL Variant Classification Criteria 13 December 2019. Collection method: clinical testing. Allele origin: germline.
Comment: This variant was observed in the ICSL laboratory as part of a predisposition screen in an ostensibly healthy population. It had not been previously curated by ICSL or reported in the Human Gene Mutation Database (HGMD: prior to June 1st, 2018), and was therefore a candidate for classification through an automated scoring system. Utilizing variant allele frequency, disease prevalence and penetrance estimates, and inheritance mode, an automated score was calculated to assess if this variant is too frequent to cause the disease. Based on the score and internal cut-off values, a variant classified as benign is not then subjected to further curation. The score for this variant resulted in a classification of benign for this disease.

Illumina Laboratory Services, Illumina
Classification: Benign for Lethal multiple pterygium syndrome. Last evaluated: 2018-01-12. Review status: criteria provided, single submitter. Criteria: ICSL Variant Classification Criteria 13 December 2019. Collection method: clinical testing. Allele origin: germline.
Comment: the same text as in the submission from Illumina Laboratory Services, Illumina above.

Mayo Clinic Laboratories, Mayo Clinic
Classification: Benign. Last evaluated: 2017-10-11. Review status: criteria provided, single submitter. Criteria: ACMG Guidelines, 2015. Collection method: clinical testing. Allele origin: germline. Observed: 45 variant alleles.

GeneDx
Classification: Benign. Last evaluated: 2016-09-23. Review status: criteria provided, single submitter. Criteria: GeneDx Variant Classification (06012015). Collection method: clinical testing. Allele origin: germline. Affected: yes.
Comment: This variant is considered likely benign or benign based on one or more of the following criteria: it is a conservative change, it occurs at a poorly conserved position in the protein, it is predicted to be benign by multiple in silico algorithms, and/or has population frequency not consistent with disease.

Breakthrough Genomics
Classification: Benign. Review status: criteria provided, single submitter. Criteria: ACMG Guidelines, 2015. Collection method: not provided. Allele origin: germline. Inheritance: Autosomal recessive inheritance. Affected: yes.

PreventionGenetics, part of Exact Sciences
Classification: Benign. Review status: criteria provided, single submitter. Criteria: ACMG Guidelines, 2015. Collection method: clinical testing. Allele origin: germline.

Genetic Services Laboratory, University of Chicago
Classification: Likely benign for AllHighlyPenetrant. Review status: no assertion criteria provided. Collection method: clinical testing. Allele origin: germline. Not counted in ClinVar's aggregate classification.
Comment: Likely benign based on allele frequency in 1000 Genomes Project or ESP global frequency and its presence in a patient with a rare or unrelated disease phenotype. NOT Sanger confirmed.